The following is an entry in ClinVar:

ClinVar aggregate classification (germline): Uncertain significance (1 of 4 stars; one submission).

Conditions:
Hereditary cancer-predisposing syndrome. Also called: Tumor predisposition; Neoplastic Syndromes, Hereditary; Hereditary neoplastic syndrome; Hereditary Cancer Syndrome. Identifiers: Orphanet 140162, MedGen C0027672, MeSH D009386, MONDO:0015356.

Submission:

Ambry Genetics
Classification: Uncertain significance for Hereditary cancer-predisposing syndrome. Last evaluated: 2025-06-29. Review status: criteria provided, single submitter. Criteria: Ambry Variant Classification Scheme 2023. Collection method: clinical testing. Allele origin: germline.
Comment: The p.T1009P variant (also known as c.3025A>C), located in coding exon 22 of the MSH3 gene, results from an A to C substitution at nucleotide position 3025. The threonine at codon 1009 is replaced by proline, an amino acid with highly similar properties. This amino acid position is conserved. In addition, this alteration is predicted to be deleterious by in silico analysis. Based on the available evidence, the clinical significance of this variant remains unclear.

NM_002439.5(MSH3):c.3025A>C (p.Thr1009Pro)

Gene: MSH3 (mutS homolog 3; plus strand). Cytogenetic location: 5q14.1.
Variant type: single nucleotide variant.
Coding change: c.3025A>C on transcript NM_002439.5 (MANE Select); coding-DNA position 3025, A replaced by C.
Protein change: p.Thr1009Pro; replaces threonine 1009 with proline.
Molecular consequence: missense variant.
Genome position (GRCh38, 1-based): chr5:80,864,837, A>C. VCF-style: chr5-80864837-A-C. GRCh37 (hg19) VCF-style: chr5-80160656-A-C.
Other names: short protein forms T1009P.
Identifiers: ClinVar variation 4111090 (VCV004111090.1).
Genomic context (GRCh38, chr5:80,864,837, plus strand): 5'-AAATGAAATAACATTTATTCTGTCTTATTGCTTTAGGTGAAATCCTTAACCCTGTTTGTC[A>C]CCCATTATCCGCCAGTTTGTGAACTAGAAAAAAATTACTCACACCAGGTGGGGAATTACC-3'
Protein context (NP_002430.3, residues 999-1019): RDVKSLTLFV[Thr1009Pro]HYPPVCELEK